The following is an entry in ClinVar:

ClinVar aggregate classification (germline): Benign. Review status: criteria provided, multiple submitters, no conflicts (2 of 4 stars). 2 submissions from 2 submitters: Benign (2). Last evaluated 2018-06-14.

Allele frequency attached by ClinVar (database versions not stated): 1000 Genomes Project 30x 0.97689; 1000 Genomes Project 0.97724; TOPMed 0.97882; gnomAD 0.97983 and 0.98061; gnomAD exomes 0.99630.
gnomAD v4.1: 1,200,579 of 1,207,568 alleles (99%); highest among the groups gnomAD compares: East Asian, 100%; 596,977 homozygotes.

Submissions (2):

GeneDx
Classification: Benign. Last evaluated: 2018-06-14. Review status: criteria provided, single submitter. Criteria: GeneDx Variant Classification (06012015). Collection method: clinical testing. Allele origin: germline. Affected: yes.
Comment: This variant is considered likely benign or benign based on one or more of the following criteria: it is a conservative change, it occurs at a poorly conserved position in the protein, it is predicted to be benign by multiple in silico algorithms, and/or has population frequency not consistent with disease.

Breakthrough Genomics
Classification: Benign. Review status: criteria provided, single submitter. Criteria: ACMG Guidelines, 2015. Collection method: not provided. Allele origin: germline. Inheritance: Autosomal recessive inheritance. Affected: yes.

NM_006017.3(PROM1):c.2281-64C>T

Gene: PROM1 (prominin 1; minus strand). Cytogenetic location: 4p15.32.
Variant type: single nucleotide variant.
Coding change: c.2281-64C>T on transcript NM_006017.3 (MANE Select); 64 bases into the intron before coding-DNA position 2281, C replaced by T.
Molecular consequence: intron variant.
Genome position (GRCh38, 1-based): chr4:15,984,419, G>A on the plus strand (C>T on the coding strand, the complement: PROM1 is on the minus strand). VCF-style: chr4-15984419-G-A. GRCh37 (hg19) VCF-style: chr4-15986042-G-A.
Other names: c.2254-64C>T (NM_001145848.2, NM_001145852.2, NM_001145847.2 and 4 more transcripts); c.2281-64C>T (NM_001145850.2, NM_001145849.2).
Identifiers: ClinVar variation 677210 (VCV000677210.2), dbSNP rs7675574, ClinGen allele CA92574963.